The following is an entry in ClinVar:

ClinVar aggregate classification (germline): Conflicting classifications of pathogenicity. Review status: criteria provided, conflicting classifications (1 of 4 stars). 2 submissions from 2 submitters: Uncertain significance (1); Likely benign (1). Last evaluated 2024-12-02.

Allele frequency attached by ClinVar (database versions not stated): gnomAD exomes 0.00007; ExAC 0.00008; 1000 Genomes Project 0.00020; 1000 Genomes Project 30x 0.00031.
gnomAD v4.1: 113 of 1,613,938 alleles (0.007%); highest among the groups gnomAD compares: South Asian, 0.033%; no homozygotes.

Submissions (2):

Labcorp Genetics (formerly Invitae), Labcorp
Classification: Uncertain significance. Last evaluated: 2024-12-02. Review status: criteria provided, single submitter. Criteria: Invitae Variant Classification Sherloc (09022015). Collection method: clinical testing. Allele origin: germline.
Comment: This sequence change replaces valine, which is neutral and non-polar, with methionine, which is neutral and non-polar, at codon 1092 of the ARHGEF10 protein (p.Val1092Met). This variant is present in population databases (rs527488398, gnomAD 0.03%). This variant has not been reported in the literature in individuals affected with ARHGEF10-related conditions. ClinVar contains an entry for this variant (Variation ID: 1417395). Invitae Evidence Modeling of protein sequence and biophysical properties (such as structural, functional, and spatial information, amino acid conservation, physicochemical variation, residue mobility, and thermodynamic stability) indicates that this missense variant is not expected to disrupt ARHGEF10 protein function with a negative predictive value of 80%. In summary, the available evidence is currently insufficient to determine the role of this variant in disease. Therefore, it has been classified as a Variant of Uncertain Significance.

CeGaT Center for Human Genetics Tuebingen
Classification: Likely benign. Last evaluated: 2023-01-01. Review status: criteria provided, single submitter. Criteria: CeGaT Center For Human Genetics Tuebingen Variant Classification Criteria Version 2. Collection method: clinical testing. Allele origin: germline. Affected: yes. Observed: 1 variant allele.
Comment: ARHGEF10: BP4

NM_014629.4(ARHGEF10):c.3274G>A (p.Val1092Met)

Gene: ARHGEF10 (Rho guanine nucleotide exchange factor 10; plus strand). Cytogenetic location: 8p23.3.
Variant type: single nucleotide variant.
Coding change: c.3274G>A on transcript NM_014629.4 (MANE Select); coding-DNA position 3274, G replaced by A.
Protein change: p.Val1092Met; replaces valine 1092 with methionine.
Molecular consequence: missense variant.
Genome position (GRCh38, 1-based): chr8:1,945,532, G>A. VCF-style: chr8-1945532-G-A. GRCh37 (hg19) VCF-style: chr8-1893698-G-A.
Other names: c.3160G>A, p.Val1054Met (NM_001308152.2); c.3274G>A, p.Val1092Met (NM_001308153.3); short protein forms V1116M, V1092M, V1054M.
Identifiers: ClinVar variation 1417395 (VCV001417395.32), dbSNP rs527488398, ClinGen allele CA4601286.